The following is an entry in ClinVar:

ClinVar aggregate classification (germline): Conflicting classifications of pathogenicity. Review status: criteria provided, conflicting classifications (1 of 4 stars). 3 submissions from 3 submitters: Pathogenic (1); Likely pathogenic (1); Uncertain significance (1). Last evaluated 2023-05-31.

Conditions:
Intellectual developmental disorder with microcephaly and with or without ocular malformations or hypogonadotropic hypogonadism. Also called: Coffin-Siris Syndrome 9; Intellectual disability, autosomal dominant 27. Identifiers: Orphanet 1465, MedGen C4014528, MONDO:0014376, OMIM 615866.

Submissions (3):

GeneDx
Classification: Pathogenic. Last evaluated: 2023-05-31. Review status: criteria provided, single submitter. Criteria: GeneDx Variant Classification Process June 2021. Collection method: clinical testing. Allele origin: germline. Affected: yes.
Comment: Not observed at significant frequency in large population cohorts (gnomAD); In silico analysis supports that this missense variant has a deleterious effect on protein structure/function; This variant is associated with the following publications: (PMID: 35341651)

SIB Swiss Institute of Bioinformatics
Classification: Likely pathogenic for Intellectual developmental disorder with microcephaly and with or without ocular malformations or hypogonadotropic hypogonadism. Last evaluated: 2023-03-09. Review status: criteria provided, single submitter. Criteria: ACMG Guidelines, 2015. Collection method: curation. Allele origin: unknown.
Comment: This variant is interpreted as likely pathogenic for Intellectual developmental disorder with microcephaly and with or without ocular malformations or hypogonadotropic hypogonadism, autosomal dominant. The following ACMG Tag(s) were applied: Absent from controls (or at extremely low frequency if recessive) in Exome Sequencing Project, 1000 Genomes Project, or Exome Aggregation Consortium (PM2); De novo paternity and maternity not confirmed (PM6); Located in a mutational hot spot and/or critical and well-established functional domain (e.g., active site of an enzyme) without benign variation (PM1); Multiple lines of computational evidence support a deleterious effect on the gene or gene product (PP3); Novel missense change at an amino acid residue where a different missense change determined to be pathogenic has been seen before (PM5).

Labcorp Genetics (formerly Invitae), Labcorp
Classification: Uncertain significance. Last evaluated: 2022-09-08. Review status: criteria provided, single submitter. Criteria: Invitae Variant Classification Sherloc (09022015). Collection method: clinical testing. Allele origin: germline.
Comment: In summary, the available evidence is currently insufficient to determine the role of this variant in disease. Therefore, it has been classified as a Variant of Uncertain Significance. This variant disrupts the p.Arg51 amino acid residue in SOX11. Other variant(s) that disrupt this residue have been determined to be pathogenic (Invitae). This suggests that this residue is clinically significant, and that variants that disrupt this residue are likely to be disease-causing. Algorithms developed to predict the effect of missense changes on protein structure and function are either unavailable or do not agree on the potential impact of this missense change (SIFT: "Deleterious"; PolyPhen-2: "Probably Damaging"; Align-GVGD: "Class C0"). ClinVar contains an entry for this variant (Variation ID: 1493563). This variant has not been reported in the literature in individuals affected with SOX11-related conditions. This variant is not present in population databases (gnomAD no frequency). This sequence change replaces arginine, which is basic and polar, with tryptophan, which is neutral and slightly polar, at codon 51 of the SOX11 protein (p.Arg51Trp).

Literature cited by the submitters: PubMed 35341651 (cited by SIB Swiss Institute of Bioinformatics).

NM_003108.4(SOX11):c.151C>T (p.Arg51Trp)

Gene: SOX11 (SRY-box transcription factor 11; plus strand). Cytogenetic location: 2p25.2.
Variant type: single nucleotide variant.
Coding change: c.151C>T on transcript NM_003108.4 (MANE Select); coding-DNA position 151, C replaced by T.
Protein change: p.Arg51Trp; replaces arginine 51 with tryptophan.
Molecular consequence: missense variant.
Genome position (GRCh38, 1-based): chr2:5,692,872, C>T. VCF-style: chr2-5692872-C-T. GRCh37 (hg19) VCF-style: chr2-5833004-C-T.
Other names: c.151C>T (NM_003108.3); short protein forms R51W.
Identifiers: ClinVar variation 1493563 (VCV001493563.10), dbSNP rs2103276324, ClinGen allele CA345866051.
Genomic context (GRCh38, chr2:5,692,872, plus strand): 5'-CCGGTGGCCCTGGACGAGAGCGACCCAGACTGGTGCAAGACGGCGTCGGGCCACATCAAG[C>T]GGCCGATGAACGCGTTCATGGTATGGTCCAAGATCGAACGCAGGAAGATCATGGAGCAGT-3'
Protein context (NP_003099.1, residues 41-61): WCKTASGHIK[Arg51Trp]PMNAFMVWSK